The following is an entry in ClinVar:

NM_139279.6(MCFD2):c.*354C>T

Genes: MCFD2 (multiple coagulation factor deficiency 2, ER cargo receptor complex subunit; minus strand), MCFD2-AS1 (MCFD2 antisense RNA 1; plus strand). Cytogenetic location: 2p21.
Variant type: single nucleotide variant.
Coding change: c.*354C>T on transcript NM_139279.6 (MANE Select); 354 bases downstream of the stop codon, C replaced by T.
Molecular consequence: 3 prime UTR variant.
Genome position (GRCh38, 1-based): chr2:46,905,109, G>A on the plus strand (C>T on the coding strand, the complement: MCFD2 is on the minus strand). VCF-style: chr2-46905109-G-A. GRCh37 (hg19) VCF-style: chr2-47132248-G-A.
Other names: c.*354C>T (NM_001171506.2, NM_001171507.2, NM_001171508.2 and 3 more transcripts).
Identifiers: ClinVar variation 898102 (VCV000898102.4), dbSNP rs191255002, ClinGen allele CA46624528.
Genomic context (GRCh38, chr2:46,905,109, plus strand): 5'-CCACTTTTGCTTCTTCCTCATTTTCTCTTGCTGCCATGTAAGAAGTGCCTTTCACCTCCC[G>A]CCATGATTCTGAGGCCTCCCCAGCCATGTGGAACTGTAAGTCCAAGTAAACCTCTTTTTC-3'

ClinVar aggregate classification (germline): Likely benign (1 of 4 stars; one submission).

Conditions:
Factor 5 and Factor VIII, combined deficiency of, 2. Identifiers: Orphanet 35909, MedGen C3150889, MONDO:0013331, OMIM 613625.

Allele frequency attached by ClinVar (database versions not stated): gnomAD exomes 0.00059; gnomAD 0.00396 and 0.00362; TOPMed 0.00412; 1000 Genomes Project 0.00419; 1000 Genomes Project 30x 0.00484.
gnomAD v4.1: 667 of 331,288 alleles (0.2%); highest among the groups gnomAD compares: African/African-American, 1.3%; 2 homozygotes.

Submission:

Illumina Laboratory Services, Illumina
Classification: Likely benign for Factor 5 and Factor VIII, combined deficiency of, 2. Last evaluated: 2018-01-13. Review status: criteria provided, single submitter. Criteria: ICSL Variant Classification Criteria 13 December 2019. Collection method: clinical testing. Allele origin: germline.
Comment: This variant was observed in the ICSL laboratory as part of a predisposition screen in an ostensibly healthy population. It had not been previously curated by ICSL or reported in the Human Gene Mutation Database (HGMD: prior to June 1st, 2018), and was therefore a candidate for classification through an automated scoring system. Utilizing variant allele frequency, disease prevalence and penetrance estimates, and inheritance mode, an automated score was calculated to assess if this variant is too frequent to cause the disease. Based on the score and internal cut-off values, a variant classified as likely benign is not then subjected to further curation. The score for this variant resulted in a classification of likely benign for this disease.